The following is an entry in ClinVar:

ClinVar aggregate classification (germline): Uncertain significance (1 of 4 stars; one submission).

Conditions:
Ehlers-Danlos syndrome, classic type, 1 (EDSCL1). Also called: EHLERS-DANLOS SYNDROME, GRAVIS TYPE; EHLERS-DANLOS SYNDROME, SEVERE CLASSIC TYPE; Ehlers-Danlos syndrome, type 1; EDS I; Ehlers-Danlos Syndrome, Classic Type, COL5A1-Related. Identifiers: MedGen C0268335, MONDO:0019567, OMIM 130000.

Allele frequency attached by ClinVar (database versions not stated): TOPMed below 0.00001.
gnomAD v4.1: 2 of 1,612,950 alleles (0.00012%); highest among the groups gnomAD compares: East Asian, 0.0022%; no homozygotes.

Submission:

Labcorp Genetics (formerly Invitae), Labcorp
Classification: Uncertain significance for Ehlers-Danlos syndrome, classic type, 1. Last evaluated: 2022-09-28. Review status: criteria provided, single submitter. Criteria: Invitae Variant Classification Sherloc (09022015). Collection method: clinical testing. Allele origin: germline.
Comment: In summary, the available evidence is currently insufficient to determine the role of this variant in disease. Therefore, it has been classified as a Variant of Uncertain Significance. Advanced modeling of protein sequence and biophysical properties (such as structural, functional, and spatial information, amino acid conservation, physicochemical variation, residue mobility, and thermodynamic stability) performed at Invitae indicates that this missense variant is expected to disrupt COL5A2 protein function. This variant has not been reported in the literature in individuals affected with COL5A2-related conditions. This variant is present in population databases (rs781185515, gnomAD 0.006%). This sequence change replaces glycine, which is neutral and non-polar, with aspartic acid, which is acidic and polar, at codon 1041 of the COL5A2 protein (p.Gly1041Asp).

NM_000393.5(COL5A2):c.3122G>A (p.Gly1041Asp)

Gene: COL5A2 (collagen type V alpha 2 chain; minus strand). Cytogenetic location: 2q32.2.
Variant type: single nucleotide variant.
Coding change: c.3122G>A on transcript NM_000393.5 (MANE Select); coding-DNA position 3122, G replaced by A.
Protein change: p.Gly1041Asp; replaces glycine 1041 with aspartic acid.
Molecular consequence: missense variant.
Genome position (GRCh38, 1-based): chr2:189,049,372, C>T on the plus strand (G>A on the coding strand, the complement: COL5A2 is on the minus strand). VCF-style: chr2-189049372-C-T. GRCh37 (hg19) VCF-style: chr2-189914098-C-T.
Other names: short protein forms G1041D.
Identifiers: ClinVar variation 2013408 (VCV002013408.4), dbSNP rs781185515, ClinGen allele CA2022106.